The following is an entry in ClinVar:

NM_144997.7(FLCN):c.1583C>G (p.Pro528Arg)

Gene: FLCN (folliculin; minus strand). Cytogenetic location: 17p11.2.
Variant type: single nucleotide variant.
Coding change: c.1583C>G on transcript NM_144997.7 (MANE Select); coding-DNA position 1583, C replaced by G.
Protein change: p.Pro528Arg; replaces proline 528 with arginine.
Molecular consequence: missense variant.
Genome position (GRCh38, 1-based): chr17:17,213,812, G>C on the plus strand (C>G on the coding strand, the complement: FLCN is on the minus strand). VCF-style: chr17-17213812-G-C. GRCh37 (hg19) VCF-style: chr17-17117126-G-C.
Other names: c.1637C>G, p.Pro546Arg (NM_001353229.2); c.1583C>G, p.Pro528Arg (NM_001353230.2, NM_001353231.2); short protein forms P546R, P528R.
Identifiers: ClinVar variation 3672775 (VCV003672775.2).

ClinVar aggregate classification (germline): Uncertain significance (1 of 4 stars; one submission).

Conditions:
Birt-Hogg-Dube syndrome. Also called: Birt Hogg Dubé syndrome. Identifiers: Orphanet 122, MedGen C0346010, MONDO:0800444.

Submission:

Labcorp Genetics (formerly Invitae), Labcorp
Classification: Uncertain significance for Birt-Hogg-Dube syndrome. Last evaluated: 2024-04-18. Review status: criteria provided, single submitter. Criteria: Invitae Variant Classification Sherloc (09022015). Collection method: clinical testing. Allele origin: germline.
Comment: This sequence change replaces proline, which is neutral and non-polar, with arginine, which is basic and polar, at codon 528 of the FLCN protein (p.Pro528Arg). This variant is not present in population databases (gnomAD no frequency). This variant has not been reported in the literature in individuals affected with FLCN-related conditions. Advanced modeling of protein sequence and biophysical properties (such as structural, functional, and spatial information, amino acid conservation, physicochemical variation, residue mobility, and thermodynamic stability) performed at Invitae indicates that this missense variant is not expected to disrupt FLCN protein function with a negative predictive value of 80%. In summary, the available evidence is currently insufficient to determine the role of this variant in disease. Therefore, it has been classified as a Variant of Uncertain Significance.